The following is an entry in ClinVar:

ClinVar aggregate classification (germline): Uncertain significance (1 of 4 stars; one submission).

Conditions:
Inborn genetic diseases. Identifiers: MedGen C0950123, MeSH D030342.

Submission:

Ambry Genetics
Classification: Uncertain significance for Inborn genetic diseases. Last evaluated: 2023-02-23. Review status: criteria provided, single submitter. Criteria: Ambry Variant Classification Scheme 2023. Collection method: clinical testing. Allele origin: germline.
Comment: The p.I1625T variant (also known as c.4874T>C), located in coding exon 34 of the LRRK2 gene, results from a T to C substitution at nucleotide position 4874. The isoleucine at codon 1625 is replaced by threonine, an amino acid with similar properties. This amino acid position is conserved. In addition, the in silico prediction for this alteration is inconclusive. Since supporting evidence is limited at this time, the clinical significance of this alteration remains unclear.

NM_198578.4(LRRK2):c.4874T>C (p.Ile1625Thr)

Gene: LRRK2 (leucine rich repeat kinase 2; plus strand). Cytogenetic location: 12q12.
Variant type: single nucleotide variant.
Coding change: c.4874T>C on transcript NM_198578.4 (MANE Select); coding-DNA position 4874, T replaced by C.
Protein change: p.Ile1625Thr; replaces isoleucine 1625 with threonine.
Molecular consequence: missense variant.
Genome position (GRCh38, 1-based): chr12:40,320,034, T>C. VCF-style: chr12-40320034-T-C. GRCh37 (hg19) VCF-style: chr12-40713836-T-C.
Other names: short protein forms I1625T.
Identifiers: ClinVar variation 2453118 (VCV002453118.2), dbSNP rs2499873175, ClinGen allele CA384419486.
Genomic context (GRCh38, chr12:40,320,034, plus strand): 5'-CTCGAATCTTTCAGATTTTGACAGTGAAAGTGGAAGGTTGTCCAAAACACCCTAAGGGCA[T>C]TATTTCGCGTAGAGATGTGGAAAAATTTCTTTCAAAAAAAAGGAAATTTCCAAAGAACTA-3'
Protein context (NP_940980.4, residues 1615-1635): VEGCPKHPKG[Ile1625Thr]ISRRDVEKFL